The following is an entry in ClinVar:

ClinVar aggregate classification (germline): Benign/Likely benign. Review status: criteria provided, multiple submitters, no conflicts (2 of 4 stars). 6 submissions from 6 submitters: Benign (3); Likely benign (3). Last evaluated 2026-01-31.

Conditions:
Chédiak-Higashi syndrome (CHS). Also called: Chediak-Higashi Syndrome. Identifiers: Orphanet 167, MedGen C0007965, MONDO:0008963, OMIM 214500.

Allele frequency attached by ClinVar (database versions not stated): gnomAD exomes 0.00068; ExAC 0.00090; gnomAD 0.00292 and 0.00315; 1000 Genomes Project 30x 0.00297; 1000 Genomes Project 0.00300; TOPMed 0.00324; ESP Exome Variant Server 0.00354.
gnomAD v4.1: 835 of 1,613,272 alleles (0.052%); highest among the groups gnomAD compares: African/African-American, 0.99%; 6 homozygotes.

Submissions (6):

Labcorp Genetics (formerly Invitae), Labcorp
Classification: Benign for Chédiak-Higashi syndrome. Last evaluated: 2026-01-31. Review status: criteria provided, single submitter. Criteria: Invitae Variant Classification Sherloc (09022015). Collection method: clinical testing. Allele origin: germline.

Blueprint Genetics
Classification: Likely benign. Last evaluated: 2024-10-24. Review status: criteria provided, single submitter. Criteria: ACMG Guidelines, 2015. Collection method: clinical testing. Allele origin: germline.

Mayo Clinic Laboratories, Mayo Clinic
Classification: Benign. Last evaluated: 2024-10-08. Review status: criteria provided, single submitter. Criteria: ACMG Guidelines, 2015. Collection method: clinical testing. Allele origin: germline. Observed: 6 variant alleles.
Comment: BS1, BS2, BP4

GeneDx
Classification: Likely benign. Last evaluated: 2019-07-17. Review status: criteria provided, single submitter. Criteria: GeneDx Variant Classification Process June 2021. Collection method: clinical testing. Allele origin: germline. Affected: yes.

Illumina Laboratory Services, Illumina
Classification: Likely benign for Chédiak-Higashi syndrome. Last evaluated: 2018-01-12. Review status: criteria provided, single submitter. Criteria: ICSL Variant Classification Criteria 13 December 2019. Collection method: clinical testing. Allele origin: germline.
Comment: This variant was observed in the ICSL laboratory as part of a predisposition screen in an ostensibly healthy population. It had not been previously curated by ICSL or reported in the Human Gene Mutation Database (HGMD: prior to June 1st, 2018), and was therefore a candidate for classification through an automated scoring system. Utilizing variant allele frequency, disease prevalence and penetrance estimates, and inheritance mode, an automated score was calculated to assess if this variant is too frequent to cause the disease. Based on the score and internal cut-off values, a variant classified as likely benign is not then subjected to further curation. The score for this variant resulted in a classification of likely benign for this disease.

Genetic Services Laboratory, University of Chicago
Classification: Benign. Last evaluated: 2017-09-19. Review status: criteria provided, single submitter. Criteria: ACMG Guidelines, 2015. Collection method: clinical testing. Allele origin: germline. Affected: no.

NM_000081.4(LYST):c.6292G>A (p.Ala2098Thr)

Gene: LYST (lysosomal trafficking regulator; minus strand). Cytogenetic location: 1q42.3.
Variant type: single nucleotide variant.
Coding change: c.6292G>A on transcript NM_000081.4 (MANE Select); coding-DNA position 6292, G replaced by A.
Protein change: p.Ala2098Thr; replaces alanine 2098 with threonine.
Molecular consequence: missense variant.
Genome position (GRCh38, 1-based): chr1:235,759,561, C>T on the plus strand (G>A on the coding strand, the complement: LYST is on the minus strand). VCF-style: chr1-235759561-C-T. GRCh37 (hg19) VCF-style: chr1-235922861-C-T.
Other names: p.Ala2098Thr; c.6292G>A, p.Ala2098Thr (NM_001301365.1); short protein forms A2098T.
Identifiers: ClinVar variation 296387 (VCV000296387.24), dbSNP rs146091043, ClinGen allele CA1466390.